The following is an entry in ClinVar:

NM_000138.5(FBN1):c.6883T>G (p.Cys2295Gly)

Gene: FBN1 (fibrillin 1; minus strand). Cytogenetic location: 15q21.1.
Variant type: single nucleotide variant.
Coding change: c.6883T>G on transcript NM_000138.5 (MANE Select); coding-DNA position 6883, T replaced by G.
Protein change: p.Cys2295Gly; replaces cysteine 2295 with glycine.
Molecular consequence: missense variant.
Genome position (GRCh38, 1-based): chr15:48,428,460, A>C on the plus strand (T>G on the coding strand, the complement: FBN1 is on the minus strand). VCF-style: chr15-48428460-A-C. GRCh37 (hg19) VCF-style: chr15-48720657-A-C.
Other names: short protein forms C2295G.
Identifiers: ClinVar variation 549374 (VCV000549374.10), dbSNP rs1555394644, ClinGen allele CA392330912.

ClinVar aggregate classification (germline): Likely pathogenic. Review status: criteria provided, single submitter (1 of 4 stars). 2 submissions from 2 submitters: Likely pathogenic (1). 1 of the submissions does not count toward it. Last evaluated 2019-08-02.

Conditions:
Familial thoracic aortic aneurysm and aortic dissection (TAAD). Also called: Thoracic aortic aneurysms and dissections. Identifiers: Orphanet 91387, MedGen C4707243, MONDO:0019625.
Marfan syndrome (MFS). Also called: Marfan syndrome type 1; Marfan syndrome, classic; Marfan's syndrome; FBN1-Related Marfan Syndrome; MARFAN SYNDROME, TYPE I. Identifiers: Orphanet 284963, Orphanet 558, MedGen C0024796, MONDO:0007947, OMIM 154700.

Submissions (2):

Labcorp Genetics (formerly Invitae), Labcorp
Classification: Likely pathogenic for Marfan syndrome; Familial thoracic aortic aneurysm and aortic dissection. Last evaluated: 2019-08-02. Review status: criteria provided, single submitter. Criteria: Invitae Variant Classification Sherloc (09022015). Collection method: clinical testing. Allele origin: germline.
Comment: This variant affects a cysteine residue in the EGF-like, TGFBP or hybrid motif domains of FBN1. Cysteine residues are believed to be involved in intramolecular disulfide bridges and have been shown to be important for FBN1 protein structure (PMID: 16905551, 19349279). In addition, missense substitutions affecting cysteine residues within these domains are significantly overrepresented among patients with Marfan syndrome (PMID: 16571647, 17701892). In summary, the currently available evidence indicates that the variant is pathogenic, but additional data are needed to prove that conclusively. Therefore, this variant has been classified as Likely Pathogenic. This variant disrupts the p.Cys2295 amino acid residue in FBN1. Other variant(s) that disrupt this residue have been observed in individuals with FBN1-related conditions (PMID: 19659760), which suggests that this may be a clinically significant amino acid residue. Algorithms developed to predict the effect of missense changes on protein structure and function are either unavailable or do not agree on the potential impact of this missense change (SIFT: "Deleterious"; PolyPhen-2: "Probably Damaging"; Align-GVGD: "Class C0"). This variant has not been reported in the literature in individuals with FBN1-related conditions. ClinVar contains an entry for this variant (Variation ID: 549374). This variant is not present in population databases (ExAC no frequency). This sequence change replaces cysteine with glycine at codon 2295 of the FBN1 protein (p.Cys2295Gly). The cysteine residue is highly conserved and there is a large physicochemical difference between cysteine and glycine.

Center for Medical Genetics Ghent, University of Ghent
Classification: Likely pathogenic for Marfan syndrome. Last evaluated: 2017-11-07. Review status: no assertion criteria provided. Collection method: clinical testing. Allele origin: germline. Affected: yes. Not counted in ClinVar's aggregate classification.

Literature cited by the submitters: PubMed 16905551 (cited by Labcorp Genetics (formerly Invitae), Labcorp); PubMed 19349279 (cited by Labcorp Genetics (formerly Invitae), Labcorp); PubMed 16571647 (cited by Labcorp Genetics (formerly Invitae), Labcorp); PubMed 17701892 (cited by Labcorp Genetics (formerly Invitae), Labcorp); PubMed 19659760 (cited by Labcorp Genetics (formerly Invitae), Labcorp).